The following is an entry in ClinVar:

NM_022167.4(XYLT2):c.1600A>G (p.Lys534Glu)

Gene: XYLT2 (xylosyltransferase 2; plus strand). Cytogenetic location: 17q21.33.
Variant type: single nucleotide variant.
Coding change: c.1600A>G on transcript NM_022167.4 (MANE Select); coding-DNA position 1600, A replaced by G.
Protein change: p.Lys534Glu; replaces lysine 534 with glutamic acid.
Molecular consequence: missense variant.
Genome position (GRCh38, 1-based): chr17:50,356,628, A>G. VCF-style: chr17-50356628-A-G. GRCh37 (hg19) VCF-style: chr17-48433989-A-G.
Other names: short protein forms K534E.
Identifiers: ClinVar variation 2137676 (VCV002137676.3), dbSNP rs370444515, ClinGen allele CA8646502.

ClinVar aggregate classification (germline): Uncertain significance. Review status: criteria provided, multiple submitters, no conflicts (2 of 4 stars). 2 submissions from 2 submitters: Uncertain significance (2). Last evaluated 2025-03-28.

Conditions:
Inborn genetic diseases. Identifiers: MedGen C0950123, MeSH D030342.

Allele frequency attached by ClinVar (database versions not stated): ESP Exome Variant Server 0.00015; TOPMed 0.00019; gnomAD 0.00017; gnomAD exomes 0.00021; ExAC 0.00009.
gnomAD v4.1: 331 of 1,614,014 alleles (0.021%); highest among the groups gnomAD compares: Admixed American, 0.038%; no homozygotes.

Submissions (2):

Ambry Genetics
Classification: Uncertain significance for Inborn genetic diseases. Last evaluated: 2025-03-28. Review status: criteria provided, single submitter. Criteria: Ambry Variant Classification Scheme 2023. Collection method: clinical testing. Allele origin: germline.

Labcorp Genetics (formerly Invitae), Labcorp
Classification: Uncertain significance. Last evaluated: 2022-04-04. Review status: criteria provided, single submitter. Criteria: Invitae Variant Classification Sherloc (09022015). Collection method: clinical testing. Allele origin: germline.
Comment: This sequence change replaces lysine, which is basic and polar, with glutamic acid, which is acidic and polar, at codon 534 of the XYLT2 protein (p.Lys534Glu). This variant is present in population databases (rs370444515, gnomAD 0.03%). This variant has not been reported in the literature in individuals affected with XYLT2-related conditions. Algorithms developed to predict the effect of missense changes on protein structure and function are either unavailable or do not agree on the potential impact of this missense change (SIFT: "Tolerated"; PolyPhen-2: "Possibly Damaging"; Align-GVGD: "Class C0"). In summary, the available evidence is currently insufficient to determine the role of this variant in disease. Therefore, it has been classified as a Variant of Uncertain Significance.